The following is an entry in ClinVar:

ClinVar aggregate classification (germline): Uncertain significance (1 of 4 stars; one submission).

Conditions:
Familial adenomatous polyposis 1 (FAP1). Also called: FAMILIAL ADENOMATOUS POLYPOSIS 1, ATTENUATED; POLYPOSIS, ADENOMATOUS INTESTINAL. Identifiers: MedGen C2713442, MONDO:0021056, OMIM 175100. Disease mechanism: loss of function.

Submission:

Labcorp Genetics (formerly Invitae), Labcorp
Classification: Uncertain significance for Familial adenomatous polyposis 1. Last evaluated: 2024-04-12. Review status: criteria provided, single submitter. Criteria: Invitae Variant Classification Sherloc (09022015). Collection method: clinical testing. Allele origin: germline.
Comment: This sequence change replaces glycine, which is neutral and non-polar, with cysteine, which is neutral and slightly polar, at codon 746 of the APC protein (p.Gly746Cys). This variant is not present in population databases (gnomAD no frequency). This variant has not been reported in the literature in individuals affected with APC-related conditions. Advanced modeling of protein sequence and biophysical properties (such as structural, functional, and spatial information, amino acid conservation, physicochemical variation, residue mobility, and thermodynamic stability) has been performed at Invitae for this missense variant, however the output from this modeling did not meet the statistical confidence thresholds required to predict the impact of this variant on APC protein function. In summary, the available evidence is currently insufficient to determine the role of this variant in disease. Therefore, it has been classified as a Variant of Uncertain Significance.

NM_000038.6(APC):c.2236G>T (p.Gly746Cys)

Gene: APC (APC regulator of Wnt signaling pathway; plus strand). Cytogenetic location: 5q22.2.
Variant type: single nucleotide variant.
Coding change: c.2236G>T on transcript NM_000038.6 (MANE Select); coding-DNA position 2236, G replaced by T.
Protein change: p.Gly746Cys; replaces glycine 746 with cysteine.
Molecular consequence: missense variant. On other transcripts: non-coding transcript variant (2).
Genome position (GRCh38, 1-based): chr5:112,837,830, G>T. VCF-style: chr5-112837830-G-T. GRCh37 (hg19) VCF-style: chr5-112173527-G-T.
Other names: c.2236G>T, p.Gly746Cys (NM_001127510.3, NM_001354895.2, NM_001407450.1); c.2182G>T, p.Gly728Cys (NM_001127511.3); c.2290G>T, p.Gly764Cys (NM_001354896.2, NM_001407447.1, NM_001407448.1 and 1 more transcripts); c.2266G>T, p.Gly756Cys (NM_001354897.2); c.2161G>T, p.Gly721Cys (NM_001354898.2); c.2152G>T, p.Gly718Cys (NM_001354899.2); c.2113G>T, p.Gly705Cys (NM_001354900.2); c.2059G>T, p.Gly687Cys (NM_001354901.2, NM_001407453.1); and 11 more; short protein forms G463C, G620C, G655C, G663C, G705C, G718C, G736C, G764C.
Identifiers: ClinVar variation 3635421 (VCV003635421.2).